The following is an entry in ClinVar:

ClinVar aggregate classification (germline): Benign/Likely benign. Review status: criteria provided, multiple submitters, no conflicts (2 of 4 stars). 11 submissions from 11 submitters: Benign (5); Likely benign (3). 3 of the submissions do not count toward it. Last evaluated 2026-02-02.

Conditions:
Usher syndrome type 1C. Also called: USHER SYNDROME, TYPE I, ACADIAN VARIETY. Identifiers: Orphanet 231169, Orphanet 886, MedGen C1848604, MONDO:0010171, OMIM 276904.

Allele frequency attached by ClinVar (database versions not stated): 1000 Genomes Project 0.00280; 1000 Genomes Project 30x 0.00359; TOPMed 0.00962; gnomAD 0.01054 and 0.01105; gnomAD exomes 0.01069; ExAC 0.01102; ESP Exome Variant Server 0.01224.

Submissions (11):

Labcorp Genetics (formerly Invitae), Labcorp
Classification: Benign. Last evaluated: 2026-02-02. Review status: criteria provided, single submitter. Criteria: Invitae Variant Classification Sherloc (09022015). Collection method: clinical testing. Allele origin: germline.

Blueprint Genetics
Classification: Likely benign. Last evaluated: 2024-11-27. Review status: criteria provided, single submitter. Criteria: ACMG Guidelines, 2015. Collection method: clinical testing. Allele origin: germline.

ARUP Laboratories, Molecular Genetics and Genomics, ARUP Laboratories
Classification: Benign. Last evaluated: 2023-10-03. Review status: criteria provided, single submitter. Criteria: ARUP Molecular Germline Variant Investigation Process 2024. Collection method: clinical testing. Allele origin: germline.

Mayo Clinic Laboratories, Mayo Clinic
Classification: Benign. Last evaluated: 2021-03-29. Review status: criteria provided, single submitter. Criteria: ACMG Guidelines, 2015. Collection method: clinical testing. Allele origin: germline. Observed: 7 variant alleles.

Illumina Laboratory Services, Illumina
Classification: Likely benign for Usher syndrome type 1C. Last evaluated: 2018-01-12. Review status: criteria provided, single submitter. Criteria: ICSL Variant Classification Criteria 13 December 2019. Collection method: clinical testing. Allele origin: germline.
Comment: This variant was observed in the ICSL laboratory as part of a predisposition screen in an ostensibly healthy population. It had not been previously curated by ICSL or reported in the Human Gene Mutation Database (HGMD: prior to June 1st, 2018), and was therefore a candidate for classification through an automated scoring system. Utilizing variant allele frequency, disease prevalence and penetrance estimates, and inheritance mode, an automated score was calculated to assess if this variant is too frequent to cause the disease. Based on the score and internal cut-off values, a variant classified as likely benign is not then subjected to further curation. The score for this variant resulted in a classification of likely benign for this disease.

GeneDx
Classification: Benign. Last evaluated: 2013-05-12. Review status: criteria provided, single submitter. Criteria: GeneDx Variant Classification (06012015). Collection method: clinical testing. Allele origin: germline. Affected: yes.
Comment: This variant is considered likely benign or benign based on one or more of the following criteria: it is a conservative change, it occurs at a poorly conserved position in the protein, it is predicted to be benign by multiple in silico algorithms, and/or has population frequency not consistent with disease.

Laboratory for Molecular Medicine, Mass General Brigham Personalized Medicine
Classification: Benign. Last evaluated: 2012-05-29. Review status: criteria provided, single submitter. Criteria: LMM Criteria. Collection method: clinical testing. Allele origin: germline. Observed: 36 variant alleles.
Comment: 819+G>C in intron 10 of USH1C: This variant is not expected to have clinical sig nificance because it has been identified in 1.7% (122/7020) of European American chromosomes and 0.1% (4/3738) of African American chromosomes from a broad popu lation by the NHLBI Exome Sequencing Project (dbSNP rs41282936).

Breakthrough Genomics
Classification: Likely benign. Review status: criteria provided, single submitter. Criteria: ACMG Guidelines, 2015. Collection method: not provided. Allele origin: germline. Inheritance: Autosomal recessive inheritance. Affected: yes.

Natera, Inc.
Classification: Benign for Usher syndrome type 1C. Last evaluated: 2020-09-16. Review status: no assertion criteria provided. Collection method: clinical testing. Allele origin: germline. Not counted in ClinVar's aggregate classification.

Clinical Genetics DNA and cytogenetics Diagnostics Lab, Erasmus MC, Erasmus Medical Center
Classification: Likely benign. Review status: no assertion criteria provided. Collection method: clinical testing. Allele origin: germline. Affected: yes. Study: VKGL Data-share Consensus. Not counted in ClinVar's aggregate classification.

Joint Genome Diagnostic Labs from Nijmegen and Maastricht, Radboudumc and MUMC+
Classification: Benign. Review status: no assertion criteria provided. Collection method: clinical testing. Allele origin: germline. Affected: yes. Study: VKGL Data-share Consensus. Not counted in ClinVar's aggregate classification.

NM_153676.4(USH1C):c.819+10G>C

Gene: USH1C (USH1 protein network component harmonin; minus strand). Cytogenetic location: 11p15.1.
Variant type: single nucleotide variant.
Coding change: c.819+10G>C on transcript NM_153676.4 (MANE Select); 10 bases into the intron after coding-DNA position 819, G replaced by C.
Molecular consequence: intron variant.
Genome position (GRCh38, 1-based): chr11:17,523,409, C>G on the plus strand (G>C on the coding strand, the complement: USH1C is on the minus strand). VCF-style: chr11-17523409-C-G. GRCh37 (hg19) VCF-style: chr11-17544956-C-G.
Other names: p.?; c.819+10G>C (NM_001297764.2, NM_005709.4).
Identifiers: ClinVar variation 48025 (VCV000048025.33), dbSNP rs41282936, ClinGen allele CA142402.